The following is an entry in ClinVar:

ClinVar aggregate classification (germline): Pathogenic (1 of 4 stars; one submission).

Conditions:
Breast-ovarian cancer, familial, susceptibility to, 2 (BROVCA2). Also called: BRCA2 Hereditary Breast and Ovarian Cancer. Identifiers: Orphanet 145, MedGen C2675520, MONDO:0012933, OMIM 612555. Disease mechanism: loss of function.

Submission:

MGZ Medical Genetics Center
Classification: Pathogenic for Breast-ovarian cancer, familial, susceptibility to, 2. Last evaluated: 2021-07-28. Review status: criteria provided, single submitter. Criteria: ACMG Guidelines, 2015. Collection method: clinical testing. Allele origin: germline. Affected: yes. Observed: 1 variant allele.
Comment: ACMG criteria applied: PVS1, PM1, PM2_SUP, PP4

NM_000059.4(BRCA2):c.7939_7957del (p.Leu2647fs)

Gene: BRCA2 (BRCA2 DNA repair associated; plus strand). Cytogenetic location: 13q13.1.
Variant type: Deletion.
Coding change: c.7939_7957del on transcript NM_000059.4 (MANE Select); coding-DNA positions 7939 to 7957, 19 bases deleted (CTAAGCCCAGAAAGGGTGC).
Protein change: p.Leu2647fs; shifts the reading frame from leucine 2647.
Molecular consequence: frameshift variant.
Genome position (GRCh38, 1-based): chr13:32,362,656-32,362,674, CTAAGCCCAGAAAGGGTGC deleted; deleting any 19 consecutive bases within chr13:32,362,653-32,362,674 gives the same sequence; the c. name uses the placement nearest the transcript's 3' end. VCF-style (leftmost placement, unchanged base first): chr13-32362652-ATGCCTAAGCCCAGAAAGGG-A. GRCh37 (hg19) VCF-style: chr13-32936789-ATGCCTAAGCCCAGAAAGGG-A.
Other names: c.7843_7861del19, p.Leu2615Phefs (NM_001406719.1); c.7939_7957del19, p.Leu2647Phefs (NM_001406720.1); c.3007_3025del19, p.Leu1003Phefs (NM_001406721.1); c.1522_1540del19, p.Leu508Phefs (NM_001406722.1); short protein forms L2647fs.
Identifiers: ClinVar variation 1709863 (VCV001709863.2), dbSNP rs2548545571, ClinGen allele CA2580087419.
Genomic context (GRCh38, chr13:32,362,652, plus strand): 5'-ATGGATCATATGGAAACTGGCAGCTATGGAATGTGCCTTTCCTAAGGAATTTGCTAATAG[ATGCCTAAGCCCAGAAAGGG>A]TGCTTCTTCAACTAAAATACAGGCAAGTTTAAAGCATTACATTACGTAATCATATACGGC-3'